The following is an entry in ClinVar:

ClinVar aggregate classification (germline): Uncertain significance. Review status: criteria provided, single submitter (1 of 4 stars). 2 submissions from 2 submitters: Uncertain significance (1). 1 of the submissions does not count toward it. Last evaluated 2018-09-27.

Conditions:
Congenital cataract-progressive muscular hypotonia-hearing loss-developmental delay syndrome. Also called: MITOCHONDRIAL COMPLEX DEFICIENCY, COMBINED; Myopathy with cataract and combined respiratory-chain deficiency. Identifiers: Orphanet 330054, MedGen C2751320, MONDO:0013116, OMIM 613076.

Allele frequency attached by ClinVar (database versions not stated): gnomAD exomes below 0.00001; TOPMed 0.00001.

Submissions (2):

Centre for Mendelian Genomics, University Medical Centre Ljubljana
Classification: Uncertain significance for Congenital cataract-progressive muscular hypotonia-hearing loss-developmental delay syndrome. Last evaluated: 2018-09-27. Review status: criteria provided, single submitter. Criteria: ACMG Guidelines, 2015. Collection method: clinical testing. Allele origin: unknown. Affected: yes.
Comment: This variant was classified as: Uncertain significance. The available evidence on this variant's pathogenicity is insufficient or conflicting. The following ACMG criteria were applied in classifying this variant: PP3.

Department of Pathology and Laboratory Medicine, Sinai Health System
Classification: Uncertain significance. Review status: no assertion criteria provided. Collection method: clinical testing. Allele origin: unknown. Affected: yes. Study: The Canadian Open Genetics Repository (COGR). Not counted in ClinVar's aggregate classification.
Comment: The GFER p.Asp94Asn variant was not identified in the literature nor was it identified in ClinVar. The variant was identified in dbSNP (ID: rs1490540568) but was not identified in the following control databases: the 1000 Genomes Project, the NHLBI GO Exome Sequencing Project, or the Genome Aggregation Database (March 6, 2019, v2.1.1). The p.Asp94 residue is conserved in mammals but not in more distantly related organisms however four out of five computational analyses (PolyPhen-2, SIFT, AlignGVGD, BLOSUM, MutationTaster) do not suggest a high likelihood of impact to the protein; this information is not predictive enough to rule out pathogenicity. The variant occurs outside of the splicing consensus sequence and in silico or computational prediction software programs (SpliceSiteFinder, MaxEntScan, NNSPLICE, GeneSplicer) do not predict a difference in splicing. In summary, based on the above information the clinical significance of this variant cannot be determined with certainty at this time. This variant is classified as a variant of uncertain significance.

NM_005262.3(GFER):c.280G>A (p.Asp94Asn)

Gene: GFER (growth factor, augmenter of liver regeneration; plus strand). Cytogenetic location: 16p13.3.
Variant type: single nucleotide variant.
Coding change: c.280G>A on transcript NM_005262.3 (MANE Select); coding-DNA position 280, G replaced by A.
Protein change: p.Asp94Asn; replaces aspartic acid 94 with asparagine.
Molecular consequence: missense variant.
Genome position (GRCh38, 1-based): chr16:1,984,768, G>A. VCF-style: chr16-1984768-G-A. GRCh37 (hg19) VCF-style: chr16-2034769-G-A.
Other names: short protein forms D94N.
Identifiers: ClinVar variation 930234 (VCV000930234.4), dbSNP rs1490540568, ClinGen allele CA394302768.
Genomic context (GRCh38, chr16:1,984,768, plus strand): 5'-CGGAGAATGAACTCACTCTCGGTCGGCCTGCTTCCGCAGCGGGACACCAAGTTTAGGGAG[G>A]ACTGCCCGCCGGATCGCGAGGAACTGGGCCGCCACAGCTGGGCTGTCCTCCACACCCTGG-3'
Protein context (NP_005253.3, residues 84-104): QQKRDTKFRE[Asp94Asn]CPPDREELGR